The following is an entry in ClinVar:

ClinVar aggregate classification (germline): Uncertain significance (1 of 4 stars; one submission).

Conditions:
Aortic valve disease 2 (AOVD2). Identifiers: MedGen C3542024, MONDO:0013902, OMIM 614823.

Submission:

Labcorp Genetics (formerly Invitae), Labcorp
Classification: Uncertain significance for Aortic valve disease 2. Last evaluated: 2025-08-04. Review status: criteria provided, single submitter. Criteria: Invitae Variant Classification Sherloc (09022015). Collection method: clinical testing. Allele origin: germline.
Comment: This sequence change replaces leucine, which is neutral and non-polar, with valine, which is neutral and non-polar, at codon 104 of the SMAD6 protein (p.Leu104Val). This variant is not present in population databases (gnomAD no frequency). This variant has not been reported in the literature in individuals affected with SMAD6-related conditions. An algorithm developed to predict the effect of missense changes on protein structure and function (PolyPhen-2) suggests that this variant is likely to be tolerated. In summary, the available evidence is currently insufficient to determine the role of this variant in disease. Therefore, it has been classified as a Variant of Uncertain Significance.

NM_005585.5(SMAD6):c.310C>G (p.Leu104Val)

Gene: SMAD6 (SMAD family member 6; plus strand). Cytogenetic location: 15q22.31.
Variant type: single nucleotide variant.
Coding change: c.310C>G on transcript NM_005585.5 (MANE Select); coding-DNA position 310, C replaced by G.
Protein change: p.Leu104Val; replaces leucine 104 with valine.
Molecular consequence: missense variant. On other transcripts: non-coding transcript variant (1).
Genome position (GRCh38, 1-based): chr15:66,703,568, C>G. VCF-style: chr15-66703568-C-G. GRCh37 (hg19) VCF-style: chr15-66995906-C-G.
Other names: short protein forms L104V.
Identifiers: ClinVar variation 4724831 (VCV004724831.1).